The following is an entry in ClinVar:

NM_003738.5(PTCH2):c.563C>A (p.Pro188His)

Gene: PTCH2 (patched 2; minus strand). Cytogenetic location: 1p34.1.
Variant type: single nucleotide variant.
Coding change: c.563C>A on transcript NM_003738.5 (MANE Select); coding-DNA position 563, C replaced by A.
Protein change: p.Pro188His; replaces proline 188 with histidine.
Molecular consequence: missense variant.
Genome position (GRCh38, 1-based): chr1:44,831,760, G>T on the plus strand (C>A on the coding strand, the complement: PTCH2 is on the minus strand). VCF-style: chr1-44831760-G-T. GRCh37 (hg19) VCF-style: chr1-45297432-G-T.
Other names: c.563C>A, p.Pro188His (NM_001166292.2); short protein forms P188H.
Identifiers: ClinVar variation 646526 (VCV000646526.12), dbSNP rs372784104, ClinGen allele CA823581.

ClinVar aggregate classification (germline): Uncertain significance. Review status: criteria provided, multiple submitters, no conflicts (2 of 4 stars). 3 submissions from 3 submitters: Uncertain significance (3). Last evaluated 2025-02-09.

Conditions:
Gorlin syndrome. Also called: Basal cell nevus syndrome; Nevoid Basal Cell Carcinoma Syndrome. Identifiers: Orphanet 377, MedGen C0004779, MONDO:0007187.

Allele frequency attached by ClinVar (database versions not stated): TOPMed 0.00003.
gnomAD v4.1: 62 of 1,588,282 alleles (0.0039%); highest among the groups gnomAD compares: South Asian, 0.036%; no homozygotes.

Submissions (3):

Ambry Genetics
Classification: Uncertain significance. Last evaluated: 2025-02-09. Review status: criteria provided, single submitter. Criteria: Ambry Variant Classification Scheme 2023. Collection method: clinical testing. Allele origin: germline.

Labcorp Genetics (formerly Invitae), Labcorp
Classification: Uncertain significance for Gorlin syndrome. Last evaluated: 2024-10-16. Review status: criteria provided, single submitter. Criteria: Invitae Variant Classification Sherloc (09022015). Collection method: clinical testing. Allele origin: germline.
Comment: This sequence change replaces proline, which is neutral and non-polar, with histidine, which is basic and polar, at codon 188 of the PTCH2 protein (p.Pro188His). This variant is present in population databases (rs372784104, gnomAD 0.03%). This variant has not been reported in the literature in individuals affected with PTCH2-related conditions. ClinVar contains an entry for this variant (Variation ID: 646526). Invitae Evidence Modeling of protein sequence and biophysical properties (such as structural, functional, and spatial information, amino acid conservation, physicochemical variation, residue mobility, and thermodynamic stability) indicates that this missense variant is expected to disrupt PTCH2 protein function with a positive predictive value of 80%. In summary, the available evidence is currently insufficient to determine the role of this variant in disease. Therefore, it has been classified as a Variant of Uncertain Significance.

Breakthrough Genomics
Classification: Uncertain significance. Review status: criteria provided, single submitter. Criteria: ACMG Guidelines, 2015. Collection method: not provided. Allele origin: germline. Inheritance: Autosomal recessive inheritance. Affected: yes.